The following is an entry in ClinVar:

ClinVar aggregate classification (germline): Pathogenic/Likely pathogenic. Review status: criteria provided, multiple submitters, no conflicts (2 of 4 stars). 2 submissions from 2 submitters: Pathogenic (1); Likely pathogenic (1). Last evaluated 2025-12-30.

Conditions:
Fanconi anemia complementation group A (FANCA). Also called: FANCA-Related Fanconi Anemia; Fanconi anemia, group A. Identifiers: Orphanet 84, MedGen C3469521, MONDO:0009215, OMIM 227650.
Fanconi anemia (FA). Also called: Fanconi's anemia. Identifiers: Orphanet 84, MedGen C0015625, MeSH D005199, MONDO:0019391.

Submissions (2):

Labcorp Genetics (formerly Invitae), Labcorp
Classification: Pathogenic for Fanconi anemia. Last evaluated: 2025-12-30. Review status: criteria provided, single submitter. Criteria: Invitae Variant Classification Sherloc (09022015). Collection method: clinical testing. Allele origin: germline.
Comment: This sequence change creates a premature translational stop signal (p.Trp386*) in the FANCA gene. It is expected to result in an absent or disrupted protein product. Loss-of-function variants in FANCA are known to be pathogenic (PMID: 19367192). This variant is not present in population databases (gnomAD no frequency). This variant has not been reported in the literature in individuals affected with FANCA-related conditions. ClinVar contains an entry for this variant (Variation ID: 647127). For these reasons, this variant has been classified as Pathogenic.

Baylor Genetics
Classification: Likely pathogenic for Fanconi anemia complementation group A. Last evaluated: 2022-10-23. Review status: criteria provided, single submitter. Criteria: ACMG Guidelines, 2015. Collection method: clinical testing. Allele origin: unknown.

Literature cited by the submitters: PubMed 19367192 (cited by Labcorp Genetics (formerly Invitae), Labcorp).

NM_000135.4(FANCA):c.1158G>A (p.Trp386Ter)

Gene: FANCA (FA complementation group A; minus strand). Cytogenetic location: 16q24.3.
Variant type: single nucleotide variant.
Coding change: c.1158G>A on transcript NM_000135.4 (MANE Select); coding-DNA position 1158, G replaced by A.
Protein change: p.Trp386Ter; replaces tryptophan 386 with a stop codon.
Molecular consequence: nonsense.
Genome position (GRCh38, 1-based): chr16:89,791,994, C>T on the plus strand (G>A on the coding strand, the complement: FANCA is on the minus strand). VCF-style: chr16-89791994-C-T. GRCh37 (hg19) VCF-style: chr16-89858402-C-T.
Other names: c.1158G>A (LRG_495t1); c.1158G>A, p.Trp386Ter (NM_001286167.3); short protein forms W386*.
Identifiers: ClinVar variation 647127 (VCV000647127.7), dbSNP rs752864343, ClinGen allele CA397466183.